The following is an entry in ClinVar:

NM_005559.4(LAMA1):c.5675T>C (p.Ile1892Thr)

Gene: LAMA1 (laminin subunit alpha 1; minus strand). Cytogenetic location: 18p11.31.
Variant type: single nucleotide variant.
Coding change: c.5675T>C on transcript NM_005559.4 (MANE Select); coding-DNA position 5675, T replaced by C.
Protein change: p.Ile1892Thr; replaces isoleucine 1892 with threonine.
Molecular consequence: missense variant.
Genome position (GRCh38, 1-based): chr18:6,983,220, A>G on the plus strand (T>C on the coding strand, the complement: LAMA1 is on the minus strand). VCF-style: chr18-6983220-A-G. GRCh37 (hg19) VCF-style: chr18-6983219-A-G.
Other names: short protein forms I1892T.
Identifiers: ClinVar variation 1483340 (VCV001483340.8), dbSNP rs2144053498, ClinGen allele CA401835746.

ClinVar aggregate classification (germline): Uncertain significance (1 of 4 stars; one submission).

Submission:

Labcorp Genetics (formerly Invitae), Labcorp
Classification: Uncertain significance. Last evaluated: 2021-12-02. Review status: criteria provided, single submitter. Criteria: Invitae Variant Classification Sherloc (09022015). Collection method: clinical testing. Allele origin: germline.
Comment: This variant is not present in population databases (gnomAD no frequency). This variant has not been reported in the literature in individuals affected with LAMA1-related conditions. Algorithms developed to predict the effect of missense changes on protein structure and function (SIFT, PolyPhen-2, Align-GVGD) all suggest that this variant is likely to be tolerated. In summary, the available evidence is currently insufficient to determine the role of this variant in disease. Therefore, it has been classified as a Variant of Uncertain Significance. This sequence change replaces isoleucine, which is neutral and non-polar, with threonine, which is neutral and polar, at codon 1892 of the LAMA1 protein (p.Ile1892Thr).